The following is an entry in ClinVar:

ClinVar aggregate classification (germline): Uncertain significance (1 of 4 stars; one submission).

Allele frequency attached by ClinVar (database versions not stated): ExAC 0.00001.
gnomAD v4.1: 1 of 1,612,980 alleles (0.000062%); highest among the groups gnomAD compares: South Asian, 0.0011%; no homozygotes.

Submission:

Labcorp Genetics (formerly Invitae), Labcorp
Classification: Uncertain significance. Last evaluated: 2023-06-09. Review status: criteria provided, single submitter. Criteria: Invitae Variant Classification Sherloc (09022015). Collection method: clinical testing. Allele origin: germline.
Comment: This sequence change replaces glutamine, which is neutral and polar, with histidine, which is basic and polar, at codon 408 of the CFH protein (p.Gln408His). This variant is present in population databases (rs756842126, gnomAD 0.003%). This variant has not been reported in the literature in individuals affected with CFH-related conditions. An algorithm developed to predict the effect of missense changes on protein structure and function (PolyPhen-2) suggests that this variant is likely to be disruptive. In summary, the available evidence is currently insufficient to determine the role of this variant in disease. Therefore, it has been classified as a Variant of Uncertain Significance.

NM_000186.4(CFH):c.1224G>C (p.Gln408His)

Gene: CFH (complement factor H; plus strand). Cytogenetic location: 1q31.3.
Variant type: single nucleotide variant.
Coding change: c.1224G>C on transcript NM_000186.4 (MANE Select); coding-DNA position 1224, G replaced by C.
Protein change: p.Gln408His; replaces glutamine 408 with histidine.
Molecular consequence: missense variant.
Genome position (GRCh38, 1-based): chr1:196,690,127, G>C. VCF-style: chr1-196690127-G-C. GRCh37 (hg19) VCF-style: chr1-196659257-G-C.
Other names: c.1224G>C, p.Gln408His (NM_001014975.3); short protein forms Q408H.
Identifiers: ClinVar variation 2903914 (VCV002903914.3), dbSNP rs756842126, ClinGen allele CA1305286.